The following is an entry in ClinVar:

NM_000784.4(CYP27A1):c.11T>A (p.Leu4Gln)

Gene: CYP27A1 (cytochrome P450 family 27 subfamily A member 1; plus strand). Cytogenetic location: 2q35.
Variant type: single nucleotide variant.
Coding change: c.11T>A on transcript NM_000784.4 (MANE Select); coding-DNA position 11, T replaced by A.
Protein change: p.Leu4Gln; replaces leucine 4 with glutamine.
Molecular consequence: missense variant.
Genome position (GRCh38, 1-based): chr2:218,782,193, T>A. VCF-style: chr2-218782193-T-A. GRCh37 (hg19) VCF-style: chr2-219646916-T-A.
Other names: short protein forms L4Q.
Identifiers: ClinVar variation 4236790 (VCV004236790.1).

ClinVar aggregate classification (germline): Uncertain significance (1 of 4 stars; one submission).

Conditions:
Cardiovascular phenotype. Identifiers: MedGen CN230736.

Submission:

Ambry Genetics
Classification: Uncertain significance for Cardiovascular phenotype. Last evaluated: 2025-08-31. Review status: criteria provided, single submitter. Criteria: Ambry Variant Classification Scheme 2023. Collection method: clinical testing. Allele origin: germline.
Comment: The p.L4Q variant (also known as c.11T>A), located in coding exon 1 of the CYP27A1 gene, results from a T to A substitution at nucleotide position 11. The leucine at codon 4 is replaced by glutamine, an amino acid with dissimilar properties. This amino acid position is conserved. In addition, this alteration is predicted to be tolerated by in silico analysis. Based on the available evidence, the clinical significance of this variant remains unclear.